The following is an entry in ClinVar:

NM_000130.5(F5):c.251-6del

Gene: F5 (coagulation factor V; minus strand). Cytogenetic location: 1q24.2.
Variant type: Deletion.
Coding change: c.251-6del on transcript NM_000130.5 (MANE Select); 6 bases into the intron before coding-DNA position 251, one base deleted (T; older notation c.251-6delT).
Molecular consequence: intron variant.
Genome position (GRCh38, 1-based): chr1:169,572,349, A deleted on the plus strand (T on the coding strand, the reverse complement: F5 is on the minus strand); the first of 4 consecutive A bases (chr1:169,572,349-169,572,352); deleting any one gives the same sequence. VCF-style (leftmost placement, unchanged base first): chr1-169572348-GA-G. GRCh37 (hg19) VCF-style: chr1-169541586-GA-G.
Other names: c.251-6delT (NM_000130.4).
Identifiers: ClinVar variation 2639541 (VCV002639541.29), dbSNP rs571335590, ClinGen allele CA1234672.
Genomic context (GRCh38, chr1:169,572,348, plus strand): 5'-AAAGTGAACTTTTATGATGTCTCCGACTTCAGCATATAAAGTAGGCCCAAGAAGTCCTGT[GA>G]AAACAAATATTTAAACTATGTCTGTATTCAGGGTCATCAAAGGCAGAGTTGCTAAGCAAG-3'

ClinVar aggregate classification (germline): Benign/Likely benign. Review status: criteria provided, multiple submitters, no conflicts (2 of 4 stars). 4 submissions from 4 submitters: Benign (1); Likely benign (3). Last evaluated 2026-03-30.

Conditions:
F5-related disorder. Also called: F5-related condition.
Congenital factor V deficiency. Also called: LABILE FACTOR DEFICIENCY; OWREN PARAHEMOPHILIA; PARAHEMOPHILIA; Hereditary factor V deficiency disease. Identifiers: Orphanet 326, MedGen C0015499, MONDO:0009210, OMIM 227400.

Submissions (4):

PreventionGenetics, part of Exact Sciences
Classification: Likely benign for F5-related condition. Last evaluated: 2026-03-30. Review status: criteria provided, single submitter. Criteria: ACMG Guidelines, 2015. Collection method: clinical testing. Allele origin: germline.
Comment: This variant is classified as likely benign based on ACMG/AMP sequence variant interpretation guidelines (Richards et al. 2015 PMID: 25741868, with internal and published modifications).

Labcorp Genetics (formerly Invitae), Labcorp
Classification: Benign for Congenital factor V deficiency. Last evaluated: 2025-12-14. Review status: criteria provided, single submitter. Criteria: Invitae Variant Classification Sherloc (09022015). Collection method: clinical testing. Allele origin: germline.

Blueprint Genetics
Classification: Likely benign. Last evaluated: 2024-11-13. Review status: criteria provided, single submitter. Criteria: ACMG Guidelines, 2015. Collection method: clinical testing. Allele origin: germline.

CeGaT Center for Human Genetics Tuebingen
Classification: Likely benign. Last evaluated: 2023-10-01. Review status: criteria provided, single submitter. Criteria: CeGaT Center For Human Genetics Tuebingen Variant Classification Criteria Version 2. Collection method: clinical testing. Allele origin: germline. Affected: yes. Observed: 1 variant allele.
Comment: F5: BP4